The following is an entry in ClinVar:

NM_025074.7(FRAS1):c.6961C>T (p.Arg2321Trp)

Gene: FRAS1 (Fraser extracellular matrix complex subunit 1; plus strand). Cytogenetic location: 4q21.21.
Variant type: single nucleotide variant.
Coding change: c.6961C>T on transcript NM_025074.7 (MANE Select); coding-DNA position 6961, C replaced by T.
Protein change: p.Arg2321Trp; replaces arginine 2321 with tryptophan.
Molecular consequence: missense variant.
Genome position (GRCh38, 1-based): chr4:78,464,515, C>T. VCF-style: chr4-78464515-C-T. GRCh37 (hg19) VCF-style: chr4-79385669-C-T.
Other names: short protein forms R2321W.
Identifiers: ClinVar variation 1465312 (VCV001465312.5), dbSNP rs757956184, ClinGen allele CA2977946.

ClinVar aggregate classification (germline): Uncertain significance (1 of 4 stars; one submission).

Allele frequency attached by ClinVar (database versions not stated): TOPMed 0.00002.
gnomAD v4.1: 11 of 1,613,896 alleles (0.00068%); highest among the groups gnomAD compares: South Asian, 0.0066%; no homozygotes.

Submission:

Labcorp Genetics (formerly Invitae), Labcorp
Classification: Uncertain significance. Last evaluated: 2021-08-24. Review status: criteria provided, single submitter. Criteria: Invitae Variant Classification Sherloc (09022015). Collection method: clinical testing. Allele origin: germline.
Comment: This sequence change replaces arginine with tryptophan at codon 2321 of the FRAS1 protein (p.Arg2321Trp). The arginine residue is highly conserved and there is a moderate physicochemical difference between arginine and tryptophan. This variant is present in population databases (rs757956184, ExAC 0.01%). This variant has not been reported in the literature in individuals affected with FRAS1-related conditions. Algorithms developed to predict the effect of missense changes on protein structure and function are either unavailable or do not agree on the potential impact of this missense change (SIFT: "Deleterious"; PolyPhen-2: "Benign"; Align-GVGD: "Class C0"). Algorithms developed to predict the effect of sequence changes on RNA splicing suggest that this variant may create or strengthen a splice site. In summary, the available evidence is currently insufficient to determine the role of this variant in disease. Therefore, it has been classified as a Variant of Uncertain Significance.